The following is an entry in ClinVar:

NM_001940.4(ATN1):c.738C>A (p.Gly246=)

Gene: ATN1 (atrophin 1; plus strand). Cytogenetic location: 12p13.31.
Variant type: single nucleotide variant.
Coding change: c.738C>A on transcript NM_001940.4 (MANE Select); coding-DNA position 738, C replaced by A.
Protein change: p.Gly246=; no amino-acid change (glycine 246 retained).
Molecular consequence: synonymous variant.
Genome position (GRCh38, 1-based): chr12:6,936,005, C>A. VCF-style: chr12-6936005-C-A. GRCh37 (hg19) VCF-style: chr12-7045168-C-A.
Other names: c.738C>A, p.Gly246= (NM_001007026.2).
Identifiers: ClinVar variation 2578674 (VCV002578674.25), dbSNP rs145331713, ClinGen allele CA6420447.

ClinVar aggregate classification (germline): Likely benign (1 of 4 stars; one submission).

Allele frequency attached by ClinVar (database versions not stated): 1000 Genomes Project 30x 0.00016; TOPMed 0.00072; gnomAD 0.00079; ExAC 0.00088; ESP Exome Variant Server 0.00100.
gnomAD v4.1: 1,869 of 1,587,856 alleles (0.12%); highest among the groups gnomAD compares: Non-Finnish European, 0.15%; no homozygotes.

Submission:

CeGaT Center for Human Genetics Tuebingen
Classification: Likely benign. Last evaluated: 2026-01-01. Review status: criteria provided, single submitter. Criteria: CeGaT Center For Human Genetics Tuebingen Variant Classification Criteria Version 2. Collection method: clinical testing. Allele origin: germline. Affected: yes. Observed: 5 variant alleles.
Comment: ATN1: BP4, BP7